The following is an entry in ClinVar:

ClinVar aggregate classification (germline): Likely pathogenic (1 of 4 stars; one submission).

Conditions:
Pelizaeus-Merzbacher disease. Also called: LEUKODYSTROPHY, HYPOMYELINATING, 1; Sudanophilic leukodystrophy; Pelizaeus-Merzbacher spectrum disorder; Pelizaeus-Merzbacher Disease (PMD); Pelizeaus-Merzbacher spectrum disorder. Identifiers: Orphanet 702, MedGen C0205711, MONDO:0010714, OMIM 312080, HP:0003269.

Submission:

Centre for Mendelian Genomics, University Medical Centre Ljubljana
Classification: Likely pathogenic for Pelizaeus-Merzbacher disease. Last evaluated: 2018-11-28. Review status: criteria provided, single submitter. Criteria: ACMG Guidelines, 2015. Collection method: clinical testing. Allele origin: unknown. Affected: yes.
Comment: This variant was classified as: Likely pathogenic. The following ACMG criteria were applied in classifying this variant: PM1,PM2,PP2,PP3,PP5.

NM_000533.5(PLP1):c.743C>A (p.Ala248Glu)

Genes: PLP1 (proteolipid protein 1; plus strand), RAB9B (RAB9B, member RAS oncogene family; minus strand). Cytogenetic location: Xq22.2.
Variant type: single nucleotide variant.
Coding change: c.743C>A on transcript NM_000533.5 (MANE Select); coding-DNA position 743, C replaced by A.
Protein change: p.Ala248Glu; replaces alanine 248 with glutamic acid.
Molecular consequence: missense variant.
Genome position (GRCh38, 1-based): chrX:103,789,379, C>A. VCF-style: chrX-103789379-C-A. GRCh37 (hg19) VCF-style: chrX-103044308-C-A.
Other names: c.743C>A, p.Ala248Glu (NM_001128834.3); c.578C>A, p.Ala193Glu (NM_001305004.1); c.638C>A, p.Ala213Glu (NM_199478.3); short protein forms A193E, A213E, A248E.
Identifiers: ClinVar variation 931338 (VCV000931338.3), dbSNP rs917348091, ClinGen allele CA414104659.